The following is an entry in ClinVar:

NM_000368.5(TSC1):c.200C>T (p.Pro67Leu)

Gene: TSC1 (TSC complex subunit 1; minus strand). Cytogenetic location: 9q34.13.
Variant type: single nucleotide variant.
Coding change: c.200C>T on transcript NM_000368.5 (MANE Select); coding-DNA position 200, C replaced by T.
Protein change: p.Pro67Leu; replaces proline 67 with leucine.
Molecular consequence: missense variant. On other transcripts: 5 prime UTR variant (9), non-coding transcript variant (4), intron variant (9).
Genome position (GRCh38, 1-based): chr9:132,927,211, G>A on the plus strand (C>T on the coding strand, the complement: TSC1 is on the minus strand). VCF-style: chr9-132927211-G-A. GRCh37 (hg19) VCF-style: chr9-135802598-G-A.
Other names: c.-256C>T (NM_001406616.1, NM_001406624.1); c.-289C>T (NM_001406623.1, NM_001406615.1); c.-678C>T (NM_001406626.1, NM_001406627.1, NM_001406628.1); c.-820C>T (NM_001406629.1); c.-894C>T (NM_001406630.1); c.-153-1472C>T (NM_001406620.1, NM_001406618.1, NM_001406625.1 and 5 more transcripts); c.-245-1472C>T (NM_001406614.1); c.200C>T, p.Pro67Leu (NM_001406596.1, NM_001406597.1, NM_001406598.1 and 21 more transcripts); short protein forms P67L.
Identifiers: ClinVar variation 3386153 (VCV003386153.1).

ClinVar aggregate classification (germline): Uncertain significance (1 of 4 stars; one submission).

Conditions:
Tuberous sclerosis syndrome (TSC). Also called: Tuberous Sclerosis Complex; Tuberous sclerosis. Identifiers: Orphanet 805, MedGen C0041341, MONDO:0001734.

Submission:

All of Us Research Program, National Institutes of Health
Classification: Uncertain significance for Tuberous sclerosis syndrome. Last evaluated: 2024-04-16. Review status: criteria provided, single submitter. Criteria: ACMG Guidelines, 2015. Collection method: clinical testing. Allele origin: germline. Inheritance: Autosomal dominant inheritance. Observed: 1 variant allele, 1 heterozygote.
Comment: This missense variant replaces proline with leucine at codon 67 of the TSC1 protein. Computational prediction suggests that this variant may have deleterious impact on protein structure and function (internally defined REVEL score threshold >= 0.7, PMID: 27666373). To our knowledge, functional studies have not been reported for this variant. This variant has not been reported in individuals affected with TSC1-related disorders in the literature. This variant has not been identified in the general population by the Genome Aggregation Database (gnomAD). The available evidence is insufficient to determine the role of this variant in disease conclusively. Therefore, this variant is classified as a Variant of Uncertain Significance.

This study involves interpretation of variants in research participants for the purpose of population health screening. Participant phenotype was not available at the time of variant classification. Additional details can be found in publication PMID: 35346344, PMCID: PMC8962531